The following is an entry in ClinVar:

NC_000017.11:g.(?_31169881)_(31183454_?)del

Gene: NF1 (neurofibromin 1; plus strand). Cytogenetic location: 17q11.2.
Variant type: Deletion.
Identifiers: ClinVar variation 833181 (VCV000833181.3).

ClinVar aggregate classification (germline): Pathogenic (1 of 4 stars; one submission).

Conditions:
Neurofibromatosis, type 1 (NF1). Also called: Peripheral type neurofibromatosis; Neurofibromatosis, type I; VON RECKLINGHAUSEN DISEASE; NEUROFIBROMATOSIS, TYPE I, SOMATIC. Identifiers: Orphanet 636, MedGen C0027831, MONDO:0018975, OMIM 162200. Disease mechanism: loss of function.

Submission:

Labcorp Genetics (formerly Invitae), Labcorp
Classification: Pathogenic for Neurofibromatosis, type 1. Last evaluated: 2022-02-11. Review status: criteria provided, single submitter. Criteria: Invitae Variant Classification Sherloc (09022015). Collection method: clinical testing. Allele origin: germline.
Comment: This variant is a gross deletion of the genomic region encompassing exon(s) 5-8 of the NF1 gene. This deletion is out-of-frame, and is expected to create a premature termination codon and result in an absent or disrupted protein product. Loss-of-function variants in NF1 are known to be pathogenic (PMID: 10712197, 23913538). A similar copy number variant has been observed in individual(s) with clinical features of neurofibromatosis type 1 (PMID: 26189818). For these reasons, this variant has been classified as Pathogenic.

Literature cited by the submitters: PubMed 10712197; PubMed 23913538; PubMed 26189818.